The following is an entry in ClinVar:

NM_015599.3(PGM3):c.788G>C (p.Gly263Ala)

Gene: PGM3 (phosphoglucomutase 3; minus strand). Cytogenetic location: 6q14.1.
Variant type: single nucleotide variant.
Coding change: c.788G>C on transcript NM_015599.3 (MANE Select); coding-DNA position 788, G replaced by C.
Protein change: p.Gly263Ala; replaces glycine 263 with alanine.
Molecular consequence: missense variant. On other transcripts: non-coding transcript variant (1).
Genome position (GRCh38, 1-based): chr6:83,179,967, C>G on the plus strand (G>C on the coding strand, the complement: PGM3 is on the minus strand). VCF-style: chr6-83179967-C-G. GRCh37 (hg19) VCF-style: chr6-83889686-C-G.
Other names: c.872G>C, p.Gly291Ala (NM_001199917.2, NM_001367287.1); c.545G>C, p.Gly182Ala (NM_001199918.2); c.788G>C, p.Gly263Ala (NM_001199919.2, NM_001367286.1); short protein forms G182A, G263A, G291A.
Identifiers: ClinVar variation 959537 (VCV000959537.9), dbSNP rs1199492798, ClinGen allele CA364881780.

ClinVar aggregate classification (germline): Uncertain significance (1 of 4 stars; one submission).

Conditions:
Immunodeficiency 23 (IMD23). Also called: IMMUNODEFICIENCY WITH HYPER IgE AND COGNITIVE IMPAIRMENT; IMMUNODEFICIENCY-VASCULITIS-MYOCLONUS SYNDROME. Identifiers: Orphanet 443811, MedGen C4014371, MONDO:0014353, OMIM 615816.

Allele frequency attached by ClinVar (database versions not stated): gnomAD exomes below 0.00001.
gnomAD v4.1: 5 of 1,604,674 alleles (0.00031%); highest among the groups gnomAD compares: Non-Finnish European, 0.00043%; no homozygotes.

Submission:

Labcorp Genetics (formerly Invitae), Labcorp
Classification: Uncertain significance for Immunodeficiency 23. Last evaluated: 2025-04-22. Review status: criteria provided, single submitter. Criteria: Invitae Variant Classification Sherloc (09022015). Collection method: clinical testing. Allele origin: germline.
Comment: This sequence change replaces glycine, which is neutral and non-polar, with alanine, which is neutral and non-polar, at codon 291 of the PGM3 protein (p.Gly291Ala). This variant is present in population databases (no rsID available, gnomAD 0.0009%). This variant has not been reported in the literature in individuals affected with PGM3-related conditions. ClinVar contains an entry for this variant (Variation ID: 959537). An algorithm developed to predict the effect of missense changes on protein structure and function (PolyPhen-2) suggests that this variant is likely to be disruptive. Algorithms developed to predict the effect of sequence changes on RNA splicing suggest that this variant may disrupt the consensus splice site. In summary, the available evidence is currently insufficient to determine the role of this variant in disease. Therefore, it has been classified as a Variant of Uncertain Significance.